The following is an entry in ClinVar:

NM_173689.7(CRB2):c.2606T>C (p.Val869Ala)

Gene: CRB2 (crumbs cell polarity complex component 2; plus strand). Cytogenetic location: 9q33.3.
Variant type: single nucleotide variant.
Coding change: c.2606T>C on transcript NM_173689.7 (MANE Select); coding-DNA position 2606, T replaced by C.
Protein change: p.Val869Ala; replaces valine 869 with alanine.
Molecular consequence: missense variant. On other transcripts: non-coding transcript variant (1).
Genome position (GRCh38, 1-based): chr9:123,373,137, T>C. VCF-style: chr9-123373137-T-C. GRCh37 (hg19) VCF-style: chr9-126135416-T-C.
Other names: c.2606T>C (NM_173689.6, NM_173689.5); short protein forms V869A.
Identifiers: ClinVar variation 2079856 (VCV002079856.7), dbSNP rs553842292, ClinGen allele CA5232272.

ClinVar aggregate classification (germline): Uncertain significance. Review status: criteria provided, multiple submitters, no conflicts (2 of 4 stars). 3 submissions from 3 submitters: Uncertain significance (2). 1 of the submissions does not count toward it. Last evaluated 2024-09-25.

Conditions:
Inborn genetic diseases. Identifiers: MedGen C0950123, MeSH D030342.
CRB2-related disorder. Also called: CRB2-related condition; CRB2-related disorders.

Allele frequency attached by ClinVar (database versions not stated): TOPMed 0.00011; gnomAD 0.00017; gnomAD exomes 0.00017; 1000 Genomes Project 30x 0.00031; ExAC 0.00028; 1000 Genomes Project 0.00040.
gnomAD v4.1: 252 of 1,503,250 alleles (0.017%); highest among the groups gnomAD compares: Non-Finnish European, 0.02%; no homozygotes.

Submissions (3):

Ambry Genetics
Classification: Uncertain significance for Inborn genetic diseases. Last evaluated: 2024-09-25. Review status: criteria provided, single submitter. Criteria: Ambry Variant Classification Scheme 2023. Collection method: clinical testing. Allele origin: germline.

Labcorp Genetics (formerly Invitae), Labcorp
Classification: Uncertain significance. Last evaluated: 2023-10-23. Review status: criteria provided, single submitter. Criteria: Invitae Variant Classification Sherloc (09022015). Collection method: clinical testing. Allele origin: germline.
Comment: This sequence change replaces valine, which is neutral and non-polar, with alanine, which is neutral and non-polar, at codon 869 of the CRB2 protein (p.Val869Ala). This variant is present in population databases (rs553842292, gnomAD 0.02%). This variant has not been reported in the literature in individuals affected with CRB2-related conditions. ClinVar contains an entry for this variant (Variation ID: 2079856). Advanced modeling of protein sequence and biophysical properties (such as structural, functional, and spatial information, amino acid conservation, physicochemical variation, residue mobility, and thermodynamic stability) performed at Invitae indicates that this missense variant is not expected to disrupt CRB2 protein function with a negative predictive value of 80%. In summary, the available evidence is currently insufficient to determine the role of this variant in disease. Therefore, it has been classified as a Variant of Uncertain Significance.

PreventionGenetics, part of Exact Sciences
Classification: Uncertain significance for CRB2-related condition. Last evaluated: 2024-05-20. Review status: no assertion criteria provided. Collection method: clinical testing. Allele origin: germline. Not counted in ClinVar's aggregate classification.
Comment: The CRB2 c.2606T>C variant is predicted to result in the amino acid substitution p.Val869Ala. To our knowledge, this variant has not been reported in the literature. This variant is reported in 0.023% of alleles in individuals of European (Non-Finnish) descent in gnomAD. At this time, the clinical significance of this variant is uncertain due to the absence of conclusive functional and genetic evidence.